The following is an entry in ClinVar:

ClinVar aggregate classification (germline): Uncertain significance (1 of 4 stars; one submission).

Conditions:
Familial thoracic aortic aneurysm and aortic dissection (TAAD). Also called: Thoracic aortic aneurysms and dissections. Identifiers: Orphanet 91387, MedGen C4707243, MONDO:0019625.

Submission:

Ambry Genetics
Classification: Uncertain significance for Familial thoracic aortic aneurysm and aortic dissection. Last evaluated: 2021-10-29. Review status: criteria provided, single submitter. Criteria: Ambry Variant Classification Scheme 2023. Collection method: clinical testing. Allele origin: germline.
Comment: The p.P1872S variant (also known as c.5614C>T), located in coding exon 39 of the MED12 gene, results from a C to T substitution at nucleotide position 5614. The proline at codon 1872 is replaced by serine, an amino acid with similar properties. This amino acid position is conserved. In addition, this alteration is predicted to be tolerated by in silico analysis. Since supporting evidence is limited at this time, the clinical significance of this alteration remains unclear.

NM_005120.3(MED12):c.5614C>T (p.Pro1872Ser)

Gene: MED12 (mediator complex subunit 12; plus strand). Cytogenetic location: Xq13.1.
Variant type: single nucleotide variant.
Coding change: c.5614C>T on transcript NM_005120.3 (MANE Select); coding-DNA position 5614, C replaced by T.
Protein change: p.Pro1872Ser; replaces proline 1872 with serine.
Molecular consequence: missense variant.
Genome position (GRCh38, 1-based): chrX:71,137,249, C>T. VCF-style: chrX-71137249-C-T. GRCh37 (hg19) VCF-style: chrX-70357099-C-T.
Other names: short protein forms P1872S.
Identifiers: ClinVar variation 1748645 (VCV001748645.2), dbSNP rs2519714004, ClinGen allele CA413536781.
Genomic context (GRCh38, chrX:71,137,249, plus strand): 5'-GGCCCTCGTGTGGACCCATACCGTCCTGTGCGCTTACCAATGCAGAAGCTGCCCACCCGA[C>T]CAACTTACCCTGGAGTGCTGCCCACAACCATGACTGGCGTCATGGGTTTAGAACCCTCCT-3'
Protein context (NP_005111.2, residues 1862-1882): RLPMQKLPTR[Pro1872Ser]TYPGVLPTTM